The following is an entry in ClinVar:

NM_024589.3(ROGDI):c.88G>T (p.Val30Leu)

Gene: ROGDI (rogdi atypical leucine zipper; minus strand). Cytogenetic location: 16p13.3.
Variant type: single nucleotide variant.
Coding change: c.88G>T on transcript NM_024589.3 (MANE Select); coding-DNA position 88, G replaced by T.
Protein change: p.Val30Leu; replaces valine 30 with leucine.
Molecular consequence: missense variant. On other transcripts: non-coding transcript variant (1).
Genome position (GRCh38, 1-based): chr16:4,802,411, C>A on the plus strand (G>T on the coding strand, the complement: ROGDI is on the minus strand). VCF-style: chr16-4802411-C-A. GRCh37 (hg19) VCF-style: chr16-4852412-C-A.
Other names: c.88G>T (NM_024589.2); short protein forms V30L.
Identifiers: ClinVar variation 1035996 (VCV001035996.9), dbSNP rs751917059, ClinGen allele CA7883029.

ClinVar aggregate classification (germline): Uncertain significance. Review status: criteria provided, multiple submitters, no conflicts (2 of 4 stars). 2 submissions from 2 submitters: Uncertain significance (2). Last evaluated 2025-08-12.

Conditions:
ROGDI-related disorder. Also called: ROGDI-related condition.
Amelocerebrohypohidrotic syndrome (KTZS). Also called: Kohlschutter's syndrome; EPILEPSY AND YELLOW TEETH; EPILEPSY, DEMENTIA, AND AMELOGENESIS IMPERFECTA; KOHLSCHUTTER SYNDROME. Identifiers: Orphanet 1946, MedGen C0406740, MONDO:0009185, OMIM 226750.

Allele frequency attached by ClinVar (database versions not stated): gnomAD 0.00001; TOPMed 0.00001; ExAC 0.00005.
gnomAD v4.1: 11 of 1,543,630 alleles (0.00071%); highest among the groups gnomAD compares: Non-Finnish European, 0.00078%; no homozygotes.

Submissions (2):

PreventionGenetics, part of Exact Sciences
Classification: Uncertain significance for ROGDI-related condition. Last evaluated: 2025-08-12. Review status: criteria provided, single submitter. Criteria: ACMG Guidelines, 2015. Collection method: clinical testing. Allele origin: germline.
Comment: The ROGDI c.88G>T variant is predicted to result in the amino acid substitution p.Val30Leu. To our knowledge, this variant has not been reported in the literature. This variant is reported in 0.0044% of alleles in individuals of European (Non-Finnish) descent in gnomAD. At this time, the clinical significance of this variant is uncertain due to the absence of conclusive functional and genetic evidence.

Labcorp Genetics (formerly Invitae), Labcorp
Classification: Uncertain significance for Amelocerebrohypohidrotic syndrome. Last evaluated: 2022-07-06. Review status: criteria provided, single submitter. Criteria: Invitae Variant Classification Sherloc (09022015). Collection method: clinical testing. Allele origin: germline.
Comment: In summary, the available evidence is currently insufficient to determine the role of this variant in disease. Therefore, it has been classified as a Variant of Uncertain Significance. Algorithms developed to predict the effect of missense changes on protein structure and function are either unavailable or do not agree on the potential impact of this missense change (SIFT: "Tolerated"; PolyPhen-2: "Probably Damaging"; Align-GVGD: "Class C0"). ClinVar contains an entry for this variant (Variation ID: 1035996). This variant has not been reported in the literature in individuals affected with ROGDI-related conditions. The frequency data for this variant in the population databases is considered unreliable, as metrics indicate poor data quality at this position in the gnomAD database. This sequence change replaces valine, which is neutral and non-polar, with leucine, which is neutral and non-polar, at codon 30 of the ROGDI protein (p.Val30Leu).